The following is an entry in ClinVar:

NM_000260.4(MYO7A):c.1905C>A (p.Cys635Ter)

Gene: MYO7A (myosin VIIA; plus strand). Cytogenetic location: 11q13.5.
Variant type: single nucleotide variant.
Coding change: c.1905C>A on transcript NM_000260.4 (MANE Select); coding-DNA position 1905, C replaced by A.
Protein change: p.Cys635Ter; replaces cysteine 635 with a stop codon.
Molecular consequence: nonsense.
Genome position (GRCh38, 1-based): chr11:77,172,855, C>A. VCF-style: chr11-77172855-C-A. GRCh37 (hg19) VCF-style: chr11-76883901-C-A.
Other names: c.1905C>A, p.Cys635Ter (NM_001127180.2); c.1872C>A, p.Cys624Ter (NM_001369365.1); short protein forms C624*, C635*.
Identifiers: ClinVar variation 983800 (VCV000983800.3), dbSNP rs1954250327, ClinGen allele CA381938564.
Genomic context (GRCh38, chr11:77,172,855, plus strand): 5'-GCGGTCACTGGAGCTGCTGATGCGCACGCTGGGTGCCTGCCAGCCCTTCTTTGTGCGATG[C>A]ATCAAGCCCAATGAGTTCAAGAAGCCCATGGTGAGTGGCCCTGGCCTGGGGTTGGCGGGT-3'

ClinVar aggregate classification (germline): Likely pathogenic (1 of 4 stars; one submission).

Conditions:
Usher syndrome type 1 (USH1). Also called: RETINITIS PIGMENTOSA AND CONGENITAL DEAFNESS. Identifiers: Orphanet 231169, Orphanet 886, MedGen C1568247, MONDO:0010168, OMIM 276900.

Submission:

Myriad Genetics, Inc.
Classification: Likely pathogenic for Usher syndrome type 1. Last evaluated: 2019-12-23. Review status: criteria provided, single submitter. Criteria: Myriad Women's Health Autosomal Recessive and X-Linked Classification Criteria (2019). Collection method: clinical testing. Allele origin: unknown.
Comment: NM_000260.3(MYO7A):c.1905C>A(C635*) is expected to be pathogenic in the context of MYO7A-related disorders. This variant is predicted to lead to an abnormal or absent protein product due to the creation of a premature termination codon in MYO7A, a gene where loss-of-function variants are known to be pathogenic. Please note: this variant was assessed in the context of healthy population screening.